The following is an entry in ClinVar:

ClinVar aggregate classification (germline): Pathogenic/Likely pathogenic. Review status: criteria provided, multiple submitters, no conflicts (2 of 4 stars). 2 submissions from 2 submitters: Pathogenic (1); Likely pathogenic (1). Last evaluated 2026-01-16.

Conditions:
Dilated cardiomyopathy 1G (CMD1G). Identifiers: Orphanet 154, MedGen C1858763, MONDO:0011400, OMIM 604145.
Autosomal recessive limb-girdle muscular dystrophy type 2J (LGMDR10). Also called: Limb-girdle muscular dystrophy, type 2J; MUSCULAR DYSTROPHY, LIMB-GIRDLE, AUTOSOMAL RECESSIVE 10. Identifiers: Orphanet 140922, MedGen C1837342, MONDO:0012127, OMIM 608807.
Primary familial dilated cardiomyopathy (FDC). Also called: Familial dilated cardiomyopathy; Hypokinetic dilated cardiomyopathy, familial. Identifiers: Orphanet 217607, MedGen C0340427, MONDO:0016333.

Submissions (2):

Labcorp Genetics (formerly Invitae), Labcorp
Classification: Likely pathogenic for Dilated cardiomyopathy 1G; Autosomal recessive limb-girdle muscular dystrophy type 2J. Last evaluated: 2026-01-16. Review status: criteria provided, single submitter. Criteria: Invitae Variant Classification Sherloc (09022015). Collection method: clinical testing. Allele origin: germline.
Comment: This sequence change creates a premature translational stop signal (p.Ser33896*) in the TTN gene. While this is not anticipated to result in nonsense mediated decay, it is expected to create a truncated TTN protein. This variant is not present in population databases (gnomAD no frequency). This premature translational stop signal has been observed in individual(s) with dilated cardiomyopathy (internal data). ClinVar contains an entry for this variant (Variation ID: 1066477). This variant is located in the M band of TTN (PMID: 25589632). Truncating variants in this region have been previously reported in individuals affected with autosomal dominant or autosomal recessive myopathy and muscular dystrophy (PMID: 18948003, 23975875, 24395473). Truncating variants in this region have also been identified in individuals affected with autosomal dominant dilated cardiomyopathy and/or cardio-related conditions (PMID: 27869827, 32964742, internal data). In summary, the currently available evidence indicates that the variant is pathogenic, but additional data are needed to prove that conclusively. Therefore, this variant has been classified as Likely Pathogenic.

Women's Health and Genetics/Laboratory Corporation of America, LabCorp
Classification: Pathogenic for Primary familial dilated cardiomyopathy. Last evaluated: 2023-05-23. Review status: criteria provided, single submitter. Criteria: LabCorp Variant Classification Summary - May 2015. Collection method: clinical testing. Allele origin: germline.
Comment: Variant summary: TTN c.93983C>A (p.Ser31328X) results in a premature termination codon, predicted to cause absence of the protein due to nonsense mediated decay, which are commonly known mechanisms for disease. The variant was absent in 246766 control chromosomes. To our knowledge, no occurrence of c.93983C>A in individuals affected with Dilated Cardiomyopathy and no experimental evidence demonstrating its impact on protein function have been reported. One clinical diagnostic laboratory has submitted clinical-significance assessments for this variant to ClinVar after 2014 without evidence for independent evaluation and classified the variant as likely pathogenic. Frameshift and other truncating variants in TTN are strongly associated with DCM if they are located in an exon that is highly expressed in the heart (PMID: 25589632). Based on the evidence outlined above, the variant was classified as pathogenic.

Literature cited by the submitters: PubMed 25589632 (cited by Labcorp Genetics (formerly Invitae), Labcorp); PubMed 18948003 (cited by Labcorp Genetics (formerly Invitae), Labcorp); PubMed 23975875 (cited by Labcorp Genetics (formerly Invitae), Labcorp); PubMed 24395473 (cited by Labcorp Genetics (formerly Invitae), Labcorp); PubMed 27869827 (cited by Labcorp Genetics (formerly Invitae), Labcorp); PubMed 32964742 (cited by Labcorp Genetics (formerly Invitae), Labcorp).

NM_001267550.2(TTN):c.101687C>A (p.Ser33896Ter)

Genes: TTN (titin; minus strand), TTN-AS1 (TTN antisense RNA 1; plus strand). Cytogenetic location: 2q31.2.
Variant type: single nucleotide variant.
Coding change: c.101687C>A on transcript NM_001267550.2 (MANE Select); coding-DNA position 101687, C replaced by A.
Protein change: p.Ser33896Ter; replaces serine 33896 with a stop codon.
Molecular consequence: nonsense.
Genome position (GRCh38, 1-based): chr2:178,534,928, G>T on the plus strand (C>A on the coding strand, the complement: TTN is on the minus strand). VCF-style: chr2-178534928-G-T. GRCh37 (hg19) VCF-style: chr2-179399655-G-T.
Other names: c.96764C>A, p.Ser32255Ter (NM_001256850.1); c.74492C>A, p.Ser24831Ter (NM_003319.4); c.93983C>A, p.Ser31328Ter (NM_133378.4); c.74867C>A, p.Ser24956Ter (NM_133432.3); c.75068C>A, p.Ser25023Ter (NM_133437.4); short protein forms S24831*, S24956*, S25023*, S31328*, S32255*, S33896*.
Identifiers: ClinVar variation 1066477 (VCV001066477.13), dbSNP rs376813674, ClinGen allele CA349419871.